The following is an entry in ClinVar:

NM_000153.4(GALC):c.1162-4del

Gene: GALC (galactosylceramidase; minus strand). Cytogenetic location: 14q31.3.
Variant type: Deletion.
Coding change: c.1162-4del on transcript NM_000153.4 (MANE Select); 4 bases into the intron before coding-DNA position 1162, one base deleted (T; older notation c.1162-4delT).
Molecular consequence: intron variant.
Genome position (GRCh38, 1-based): chr14:87,950,752, A deleted on the plus strand (T on the coding strand, the reverse complement: GALC is on the minus strand); the first of 11 consecutive A bases (chr14:87,950,752-87,950,762); deleting any one gives the same sequence. VCF-style (leftmost placement, unchanged base first): chr14-87950751-GA-G. GRCh37 (hg19) VCF-style: chr14-88417095-GA-G.
Other names: c.1084-4del (NM_001201402.2); c.1093-4del (NM_001201401.2); c.1162-4delT (NM_000153.4).
Identifiers: ClinVar variation 92493 (VCV000092493.35), dbSNP rs11300320, ClinGen allele CA145799.

ClinVar aggregate classification (germline): Benign. Review status: criteria provided, multiple submitters, no conflicts (2 of 4 stars). 18 submissions from 18 submitters: Benign (9). 9 of the submissions do not count toward it. Last evaluated 2026-02-04.

Conditions:
GALC-related disorder. Also called: GALC-related condition.
Galactosylceramide beta-galactosidase deficiency. Also called: Leukodystrophy, Globoid Cell; Krabbe Disease; GALACTOCEREBROSIDASE DEFICIENCY; GALC DEFICIENCY; GLOBOID CELL LEUKOENCEPHALOPATHY. Identifiers: Orphanet 487, MedGen C0023521, MONDO:0009499, OMIM 245200.
Abnormal brain morphology. Also called: Abnormality of brain morphology. Identifiers: MedGen C4021085, HP:0012443.

Submissions (18):

Labcorp Genetics (formerly Invitae), Labcorp
Classification: Benign for Galactosylceramide beta-galactosidase deficiency. Last evaluated: 2026-02-04. Review status: criteria provided, single submitter. Criteria: Invitae Variant Classification Sherloc (09022015). Collection method: clinical testing. Allele origin: germline.

Laboratory of Genetics, Children's Clinical University Hospital Latvia
Classification: Benign. Last evaluated: 2025-02-16. Review status: criteria provided, single submitter. Criteria: ACMG Guidelines, 2015. Collection method: clinical testing. Allele origin: germline. Affected: yes.

Blueprint Genetics
Classification: Benign. Last evaluated: 2024-11-27. Review status: criteria provided, single submitter. Criteria: ACMG Guidelines, 2015. Collection method: clinical testing. Allele origin: germline.

Molecular Genetics, Royal Melbourne Hospital
Classification: Benign for Galactosylceramide beta-galactosidase deficiency. Last evaluated: 2023-05-04. Review status: criteria provided, single submitter. Criteria: ACMG Guidelines, 2015. Collection method: clinical testing. Allele origin: germline. Affected: yes.
Comment: European Non-Finnish population allele frequency is 97.92% (rs751373579, 109,537/111,048 alleles, 54,014 homozygotes in gnomAD v2.1). Based on the classification scheme RMH Modified ACMG/AMP Guidelines v1.2.1, this variant is classified as BENIGN. Following criteria are met: BA1

Department of Pathology and Laboratory Medicine, Sinai Health System
Classification: Benign for Krabbe disease. Last evaluated: 2023-04-17. Review status: criteria provided, single submitter. Criteria: ACMG Guidelines, 2015. Collection method: research. Allele origin: germline.

Genome-Nilou Lab
Classification: Benign for Galactosylceramide beta-galactosidase deficiency. Last evaluated: 2021-05-12. Review status: criteria provided, single submitter. Criteria: ACMG Guidelines, 2015. Collection method: clinical testing. Allele origin: germline. Affected: no.

GeneDx
Classification: Benign. Last evaluated: 2018-04-24. Review status: criteria provided, single submitter. Criteria: GeneDx Variant Classification Process June 2021. Collection method: clinical testing. Allele origin: germline. Affected: yes.

Women's Health and Genetics/Laboratory Corporation of America, LabCorp
Classification: Benign. Last evaluated: 2016-05-16. Review status: criteria provided, single submitter. Criteria: LabCorp Variant Classification Summary - May 2015. Collection method: clinical testing. Allele origin: germline.
Comment: Variant summary: The GALC c.1162-4delT variant involves the alteration of a non-conserved intronic nucleotide. One in silico tool predicts a polymorphism outcome for this variant. This variant was found in 104106/106498 control chromosomes (50900 homozygotes) at a frequency of 0.9775395, which is approximately 437 times the estimated maximal expected allele frequency of a pathogenic GALC variant (0.0022361), suggesting this variant is likely a benign polymorphism and the major allele in general population. In addition, one clinical diagnostic laboratory classified this variant as benign. Taken together, this variant is classified as benign.

Eurofins Ntd Llc (ga)
Classification: Benign. Last evaluated: 2014-08-01. Review status: criteria provided, single submitter. Criteria: EGL Classification Definitions 2015. Collection method: clinical testing. Allele origin: germline. Observed: 23 variant alleles, 4 heterozygotes, 19 homozygotes.

Natera, Inc.
Classification: Benign for Galactosylceramide beta-galactosidase deficiency. Last evaluated: 2020-09-16. Review status: no assertion criteria provided. Collection method: clinical testing. Allele origin: germline. Not counted in ClinVar's aggregate classification.

PreventionGenetics, part of Exact Sciences
Classification: Benign for GALC-related condition. Last evaluated: 2019-06-06. Review status: no assertion criteria provided. Collection method: clinical testing. Allele origin: germline. Not counted in ClinVar's aggregate classification.
Comment: This variant is classified as benign based on ACMG/AMP sequence variant interpretation guidelines (Richards et al. 2015 PMID: 25741868, with internal and published modifications).

Mayo Clinic Laboratories, Mayo Clinic
Classification: Benign. Last evaluated: 2015-10-21. Review status: no assertion criteria provided. Collection method: clinical testing. Allele origin: unknown. Not counted in ClinVar's aggregate classification.

Clinical Genetics DNA and cytogenetics Diagnostics Lab, Erasmus MC, Erasmus Medical Center
Classification: Benign. Review status: no assertion criteria provided. Collection method: clinical testing. Allele origin: germline. Affected: yes. Study: VKGL Data-share Consensus. Not counted in ClinVar's aggregate classification.

Clinical Genetics, Academic Medical Center
Classification: Benign. Review status: no assertion criteria provided. Collection method: clinical testing. Allele origin: germline. Affected: yes. Study: VKGL Data-share Consensus. Not counted in ClinVar's aggregate classification.

Diagnostic Laboratory, Department of Genetics, University Medical Center Groningen
Classification: Benign. Review status: no assertion criteria provided. Collection method: clinical testing. Allele origin: germline. Affected: yes. Study: VKGL Data-share Consensus. Not counted in ClinVar's aggregate classification.

Genome Diagnostics Laboratory, University Medical Center Utrecht
Classification: Benign. Review status: no assertion criteria provided. Collection method: clinical testing. Allele origin: germline. Affected: yes. Study: VKGL Data-share Consensus. Not counted in ClinVar's aggregate classification.

Laboratory of Diagnostic Genome Analysis, Leiden University Medical Center (LUMC)
Classification: Likely benign. Review status: no assertion criteria provided. Collection method: clinical testing. Allele origin: germline. Affected: yes. Study: VKGL Data-share Consensus. Not counted in ClinVar's aggregate classification.

Lupski Lab, Baylor-Hopkins CMG, Baylor College of Medicine
Classification: Likely pathogenic for Abnormal brain morphology. Review status: flagged submission. Criteria: Karaca et al. (Neuron 2015). Collection method: research. Allele origin: inherited. Inheritance: Autosomal recessive inheritance. Affected: yes. Not counted in ClinVar's aggregate classification.
ClinVar note: Reason: Outlier claim with insufficient supporting evidence